The following is an entry in ClinVar:

NM_000271.5(NPC1):c.1947+2T>G

Gene: NPC1 (NPC intracellular cholesterol transporter 1; minus strand). Cytogenetic location: 18q11.2.
Variant type: single nucleotide variant.
Coding change: c.1947+2T>G on transcript NM_000271.5 (MANE Select); the canonical splice donor site of the intron after coding-DNA position 1947, T replaced by G.
Molecular consequence: splice donor variant.
Genome position (GRCh38, 1-based): chr18:23,544,958, A>C on the plus strand (T>G on the coding strand, the complement: NPC1 is on the minus strand). VCF-style: chr18-23544958-A-C. GRCh37 (hg19) VCF-style: chr18-21124922-A-C.
Identifiers: ClinVar variation 189181 (VCV000189181.7), dbSNP rs764472245, ClinGen allele CA274468.
Genomic context (GRCh38, chr18:23,544,958, plus strand): 5'-ATGACGTTACACTGTGCACTGCTGTTAACCTCTAGAACATACACCACCCCCCCCCGGCTT[A>C]CCAGAAGCCTGCGACAGCTTTTCATGTGCCCCAAGGCTAGGGAAATATATAGAAACATGA-3'

ClinVar aggregate classification (germline): Likely pathogenic. Review status: criteria provided, single submitter (1 of 4 stars). 3 submissions from 3 submitters: Likely pathogenic (1). 2 of the submissions do not count toward it. Last evaluated 2025-03-26.

Conditions:
Niemann-Pick disease, type C1. Also called: NEUROVISCERAL STORAGE DISEASE WITH VERTICAL SUPRANUCLEAR OPHTHALMOPLEGIA; NIEMANN-PICK DISEASE WITH CHOLESTEROL ESTERIFICATION BLOCK; NIEMANN-PICK DISEASE WITHOUT SPHINGOMYELINASE DEFICIENCY; NIEMANN-PICK DISEASE, CHRONIC NEURONOPATHIC FORM; NIEMANN-PICK DISEASE, VARIANT TYPE C1. Identifiers: Orphanet 646, MedGen C3179455, MONDO:0009757, OMIM 257220.

Allele frequency attached by ClinVar (database versions not stated): ExAC 0.00003.

Submissions (3):

Myriad Genetics, Inc.
Classification: Likely pathogenic for Niemann-Pick disease, type C1. Last evaluated: 2025-03-26. Review status: criteria provided, single submitter. Criteria: Myriad Autosomal Dominant, Autosomal Recessive and X-Linked Classification Criteria (2023). Collection method: clinical testing. Allele origin: unknown.
Comment: NM_000271.4(NPC1):c.1947+2T>G is a variant in a canonical splice site classified as likely pathogenic in the context of Niemann-Pick disease type C1. c.1947+2T>G has been observed in a case with relevant disease (PMID: 12955717). Relevant functional assessments of this variant are not available in the literature. c.1947+2T>G has not been observed in referenced population frequency databases. In summary, NM_000271.4(NPC1):c.1947+2T>G is a variant in a canonical splice site in a gene where loss of function is a known mechanism of disease, is predicted to disrupt protein function, and has been observed more frequently in cases with the relevant disease than in healthy populations. Please note: this variant was assessed in the context of healthy population screening.

Counsyl
Classification: Likely pathogenic for Niemann-Pick disease type C1. Last evaluated: 2015-02-13. Review status: no assertion criteria provided. Collection method: literature only. Allele origin: unknown. Inheritance: Autosomal recessive inheritance. Not counted in ClinVar's aggregate classification.

Department of Pathology and Laboratory Medicine, Sinai Health System
Classification: Likely pathogenic for Niemann-Pick disease, type C1. Review status: no assertion criteria provided. Collection method: clinical testing. Allele origin: unknown. Affected: yes. Study: The Canadian Open Genetics Repository (COGR). Not counted in ClinVar's aggregate classification.
Comment: This is a donor site variant in a gene where loss of function is a known mechanism of disease, classified with a very strong level of pathogenicity. The c.1947+2T>G variant has been identified in one patient with Niemann-Pick Disease Type C (Park_2003_PMID:12955717). The variant was identified in dbSNP (rs764472245), and ClinVar (Likely pathogenic, criteria provided, single submitter. Classified as likely pathogenic by Counsyl in 2015) databases. Allele frequency in the general population is extremely low (0.012%, ExAC) with recommended threshold of 0.061% in the general population. Three pathogenic variants with a higher frequency threshold than recommended are known in this gene, including: chr18:21113327:CTGAG>C, frequency: 0.061%, chr18:21123463:C>A, frequency: 0.045, chr18:21116700:A>G, frequency: 0.039%.Niemann-Pick disease type C (NPC) is a lipid storage disease that can present in infants, children, or adults. Neonates can present with ascites and severe liver disease from infiltration of the liver and/or respiratory failure from infiltration of the lungs. Other infants, without liver or pulmonary disease, have hypotonia and developmental delay. The classic presentation occurs in mid-to-late childhood with the insidious onset of ataxia, vertical supranuclear gaze palsy (VSGP), and dementia. Dystonia and seizures are common. Dysarthria and dysphagia eventually become disabling, making oral feeding impossible; death usually occurs in the late second or third decade from aspiration pneumonia. Adults are more likely to present with dementia or psychiatric symptoms. (Verbatim, GeneReviews. Patterson_2019_NCBI ID: NBK1296)

Literature cited by the submitters: PubMed 12955717 (cited by Myriad Genetics, Inc. and Counsyl).